The following is an entry in ClinVar:

NM_207361.6(FREM2):c.4730T>C (p.Ile1577Thr)

Gene: FREM2 (FRAS1 related extracellular matrix 2; plus strand). Cytogenetic location: 13q13.3.
Variant type: single nucleotide variant.
Coding change: c.4730T>C on transcript NM_207361.6 (MANE Select); coding-DNA position 4730, T replaced by C.
Protein change: p.Ile1577Thr; replaces isoleucine 1577 with threonine.
Molecular consequence: missense variant.
Genome position (GRCh38, 1-based): chr13:38,692,074, T>C. VCF-style: chr13-38692074-T-C. GRCh37 (hg19) VCF-style: chr13-39266211-T-C.
Other names: short protein forms I1577T.
Identifiers: ClinVar variation 311981 (VCV000311981.17), dbSNP rs114798977, ClinGen allele CA6955063.

ClinVar aggregate classification (germline): Benign. Review status: criteria provided, multiple submitters, no conflicts (2 of 4 stars). 4 submissions from 4 submitters: Benign (3). 1 of the submissions does not count toward it. Last evaluated 2026-02-04.

Conditions:
FREM2-related disorder. Also called: FREM2-related condition.
Fraser syndrome 2 (FRASRS2). Identifiers: MedGen C4540036, MONDO:0054738, OMIM 617666.

Allele frequency attached by ClinVar (database versions not stated): gnomAD exomes 0.00036 and 0.00100; ExAC 0.00142; gnomAD 0.00376 and 0.00408; ESP Exome Variant Server 0.00377; TOPMed 0.00410; 1000 Genomes Project 0.00499; 1000 Genomes Project 30x 0.00531.
gnomAD v4.1: 1,119 of 1,614,202 alleles (0.069%); highest among the groups gnomAD compares: African/African-American, 1.3%; 12 homozygotes.

Submissions (4):

Labcorp Genetics (formerly Invitae), Labcorp
Classification: Benign. Last evaluated: 2026-02-04. Review status: criteria provided, single submitter. Criteria: Invitae Variant Classification Sherloc (09022015). Collection method: clinical testing. Allele origin: germline.

Illumina Laboratory Services, Illumina
Classification: Benign for Fraser syndrome 2. Last evaluated: 2018-01-13. Review status: criteria provided, single submitter. Criteria: ICSL Variant Classification Criteria 13 December 2019. Collection method: clinical testing. Allele origin: germline.
Comment: This variant was observed in the ICSL laboratory as part of a predisposition screen in an ostensibly healthy population. It had not been previously curated by ICSL or reported in the Human Gene Mutation Database (HGMD: prior to June 1st, 2018), and was therefore a candidate for classification through an automated scoring system. Utilizing variant allele frequency, disease prevalence and penetrance estimates, and inheritance mode, an automated score was calculated to assess if this variant is too frequent to cause the disease. Based on the score and internal cut-off values, a variant classified as benign is not then subjected to further curation. The score for this variant resulted in a classification of benign for this disease.

Breakthrough Genomics
Classification: Benign. Review status: criteria provided, single submitter. Criteria: ACMG Guidelines, 2015. Collection method: not provided. Allele origin: germline. Inheritance: Autosomal recessive inheritance. Affected: yes.

PreventionGenetics, part of Exact Sciences
Classification: Benign for FREM2-related condition. Last evaluated: 2020-11-24. Review status: no assertion criteria provided. Collection method: clinical testing. Allele origin: germline. Not counted in ClinVar's aggregate classification.
Comment: This variant is classified as benign based on ACMG/AMP sequence variant interpretation guidelines (Richards et al. 2015 PMID: 25741868, with internal and published modifications).